The following is an entry in ClinVar:

NM_013296.5(GPSM2):c.278+5T>C

Gene: GPSM2 (G protein signaling modulator 2; plus strand). Cytogenetic location: 1p13.3.
Variant type: single nucleotide variant.
Coding change: c.278+5T>C on transcript NM_013296.5 (MANE Select); 5 bases into the intron after coding-DNA position 278, T replaced by C.
Molecular consequence: intron variant.
Genome position (GRCh38, 1-based): chr1:108,897,090, T>C. VCF-style: chr1-108897090-T-C. GRCh37 (hg19) VCF-style: chr1-109439712-T-C.
Other names: c.278+5T>C (NM_001321038.2, NM_001321039.3).
Identifiers: ClinVar variation 45567 (VCV000045567.19), dbSNP rs9727773, ClinGen allele CA136667.
Genomic context (GRCh38, chr1:108,897,090, plus strand): 5'-TTGCATGATTATGCCAAAGCATTAGAATATCACCATCATGATTTAACCCTTGCAAGGTAA[T>C]TAATTTAAGCTTTTAAATATTCTTCCTTCTGAAATTAGCTATTACTTTAAAAAATATTTC-3'

ClinVar aggregate classification (germline): Benign/Likely benign. Review status: criteria provided, multiple submitters, no conflicts (2 of 4 stars). 6 submissions from 6 submitters: Benign (4); Likely benign (2). Last evaluated 2026-02-01.

Conditions:
Chudley-McCullough syndrome (CMCS). Also called: DEAFNESS, SENSORINEURAL, WITH PARTIAL AGENESIS OF THE CORPUS CALLOSUM AND ARACHNOID CYSTS; Deafness, autosomal recessive 82. Identifiers: Orphanet 314597, MedGen C1858695, MONDO:0011411, OMIM 604213.

Allele frequency attached by ClinVar (database versions not stated): gnomAD exomes 0.00281 and 0.00794; ExAC 0.00949; gnomAD 0.02860 and 0.03074; TOPMed 0.03218; ESP Exome Variant Server 0.03398; 1000 Genomes Project 0.03415.
gnomAD v4.1: 8,446 of 1,562,598 alleles (0.54%); highest among the groups gnomAD compares: African/African-American, 9.8%; 383 homozygotes.

Submissions (6):

Labcorp Genetics (formerly Invitae), Labcorp
Classification: Benign. Last evaluated: 2026-02-01. Review status: criteria provided, single submitter. Criteria: Invitae Variant Classification Sherloc (09022015). Collection method: clinical testing. Allele origin: germline.

Athena Diagnostics
Classification: Benign. Last evaluated: 2018-05-24. Review status: criteria provided, single submitter. Criteria: Athena Diagnostics Criteria. Collection method: clinical testing. Allele origin: germline.

Illumina Laboratory Services, Illumina
Classification: Likely benign for Chudley-McCullough syndrome. Last evaluated: 2018-01-13. Review status: criteria provided, single submitter. Criteria: ICSL Variant Classification Criteria 13 December 2019. Collection method: clinical testing. Allele origin: germline.
Comment: This variant was observed in the ICSL laboratory as part of a predisposition screen in an ostensibly healthy population. It had not been previously curated by ICSL or reported in the Human Gene Mutation Database (HGMD: prior to June 1st, 2018), and was therefore a candidate for classification through an automated scoring system. Utilizing variant allele frequency, disease prevalence and penetrance estimates, and inheritance mode, an automated score was calculated to assess if this variant is too frequent to cause the disease. Based on the score and internal cut-off values, a variant classified as likely benign is not then subjected to further curation. The score for this variant resulted in a classification of likely benign for this disease.

GeneDx
Classification: Benign. Last evaluated: 2016-03-14. Review status: criteria provided, single submitter. Criteria: GeneDx Variant Classification (06012015). Collection method: clinical testing. Allele origin: germline. Affected: yes.
Comment: This variant is considered likely benign or benign based on one or more of the following criteria: it is a conservative change, it occurs at a poorly conserved position in the protein, it is predicted to be benign by multiple in silico algorithms, and/or has population frequency not consistent with disease.

Laboratory for Molecular Medicine, Mass General Brigham Personalized Medicine
Classification: Benign. Last evaluated: 2012-05-07. Review status: criteria provided, single submitter. Criteria: LMM Criteria. Collection method: clinical testing. Allele origin: germline. Observed: 32 variant alleles.
Comment: 278+5T>C in Intron 03 of GPSM2: This variant is not expected to have clinical si gnificance because it has been identified in 10.3% (384/3738) of African America n chromosomes from a broad population by the NHLBI Exome Sequencing Project (dbSNP rs9727773).

Breakthrough Genomics
Classification: Likely benign. Review status: criteria provided, single submitter. Criteria: ACMG Guidelines, 2015. Collection method: not provided. Allele origin: germline. Inheritance: Autosomal recessive inheritance. Affected: yes.